The following is an entry in ClinVar:

NM_033124.5(DRC2):c.420A>G (p.Glu140=)

Gene: DRC2 (dynein regulatory complex subunit 2; plus strand). Cytogenetic location: 12q13.12.
Variant type: single nucleotide variant.
Coding change: c.420A>G on transcript NM_033124.5 (MANE Select); coding-DNA position 420, A replaced by G.
Protein change: p.Glu140=; no amino-acid change (glutamic acid 140 retained).
Molecular consequence: synonymous variant. On other transcripts: 5 prime UTR variant (1).
Genome position (GRCh38, 1-based): chr12:48,914,523, A>G. VCF-style: chr12-48914523-A-G. GRCh37 (hg19) VCF-style: chr12-49308306-A-G.
Other names: c.-10A>G (NM_001286957.2).
Identifiers: ClinVar variation 3046255 (VCV003046255.2), dbSNP rs2498836038, ClinGen allele CA479501565.
Genomic context (GRCh38, chr12:48,914,523, plus strand): 5'-CTTGCACAATGTTGACCAGCTCTTGGCCCTGCAGAGGCACCGGCTCAGTCTCCTGGAGGA[A>G]AGTTACAACATGGAGCTGGAAGCCCTAACCAAGGAGTTTGAGACAGAAAGGTATGGGGGC-3'
Protein context (NP_149115.2, residues 130-150): LQRHRLSLLE[Glu140=]SYNMELEALT

ClinVar aggregate classification (germline): Likely benign (0 of 4 stars; one submission).

Conditions:
CCDC65-related disorder. Also called: CCDC65-related condition.

Submission:

PreventionGenetics, part of Exact Sciences
Classification: Likely benign for CCDC65-related condition. Last evaluated: 2023-07-28. Review status: no assertion criteria provided. Collection method: clinical testing. Allele origin: germline.
Comment: This variant is classified as likely benign based on ACMG/AMP sequence variant interpretation guidelines (Richards et al. 2015 PMID: 25741868, with internal and published modifications).